The following is an entry in ClinVar:

ClinVar aggregate classification (germline): Uncertain significance. Review status: criteria provided, multiple submitters, no conflicts (2 of 4 stars). 3 submissions from 3 submitters: Uncertain significance (3). Last evaluated 2024-08-19.

Conditions:
Inborn genetic diseases. Identifiers: MedGen C0950123, MeSH D030342.
Primary ciliary dyskinesia 27. Also called: CILIARY DYSKINESIA, PRIMARY, 27, WITHOUT SITUS INVERSUS. Identifiers: Orphanet 244, MedGen C3809701, MONDO:0014215, OMIM 615504.

Allele frequency attached by ClinVar (database versions not stated): gnomAD exomes 0.00003 and 0.00009; ExAC 0.00012; gnomAD 0.00042 and 0.00046; ESP Exome Variant Server 0.00046; TOPMed 0.00052.
gnomAD v4.1: 117 of 1,614,250 alleles (0.0072%); highest among the groups gnomAD compares: African/African-American, 0.11%; no homozygotes.

Submissions (3):

Ambry Genetics
Classification: Uncertain significance for Inborn genetic diseases. Last evaluated: 2024-08-19. Review status: criteria provided, single submitter. Criteria: Ambry Variant Classification Scheme 2023. Collection method: clinical testing. Allele origin: germline.

Blueprint Genetics
Classification: Uncertain significance. Last evaluated: 2023-11-06. Review status: criteria provided, single submitter. Criteria: ACMG Guidelines, 2015. Collection method: clinical testing. Allele origin: germline.

Labcorp Genetics (formerly Invitae), Labcorp
Classification: Uncertain significance for Primary ciliary dyskinesia 27. Last evaluated: 2022-08-22. Review status: criteria provided, single submitter. Criteria: Invitae Variant Classification Sherloc (09022015). Collection method: clinical testing. Allele origin: germline.
Comment: This sequence change replaces leucine, which is neutral and non-polar, with arginine, which is basic and polar, at codon 425 of the CCDC65 protein (p.Leu425Arg). This variant is present in population databases (rs150275571, gnomAD 0.1%). This variant has not been reported in the literature in individuals affected with CCDC65-related conditions. ClinVar contains an entry for this variant (Variation ID: 1011644). Algorithms developed to predict the effect of missense changes on protein structure and function (SIFT, PolyPhen-2, Align-GVGD) all suggest that this variant is likely to be disruptive. In summary, the available evidence is currently insufficient to determine the role of this variant in disease. Therefore, it has been classified as a Variant of Uncertain Significance.

NM_033124.5(DRC2):c.1274T>G (p.Leu425Arg)

Gene: DRC2 (dynein regulatory complex subunit 2; plus strand). Cytogenetic location: 12q13.12.
Variant type: single nucleotide variant.
Coding change: c.1274T>G on transcript NM_033124.5 (MANE Select); coding-DNA position 1274, T replaced by G.
Protein change: p.Leu425Arg; replaces leucine 425 with arginine.
Molecular consequence: missense variant.
Genome position (GRCh38, 1-based): chr12:48,921,262, T>G. VCF-style: chr12-48921262-T-G. GRCh37 (hg19) VCF-style: chr12-49315045-T-G.
Other names: c.845T>G, p.Leu282Arg (NM_001286957.2); c.1274T>G (NM_033124.4); short protein forms L282R, L425R.
Identifiers: ClinVar variation 1011644 (VCV001011644.8), dbSNP rs150275571, ClinGen allele CA6543484.